The following is an entry in ClinVar:

NM_031935.3(HMCN1):c.1817T>G (p.Leu606Arg)

Gene: HMCN1 (hemicentin 1; plus strand). Cytogenetic location: 1q31.1.
Variant type: single nucleotide variant.
Coding change: c.1817T>G on transcript NM_031935.3 (MANE Select); coding-DNA position 1817, T replaced by G.
Protein change: p.Leu606Arg; replaces leucine 606 with arginine.
Molecular consequence: missense variant.
Genome position (GRCh38, 1-based): chr1:185,933,813, T>G. VCF-style: chr1-185933813-T-G. GRCh37 (hg19) VCF-style: chr1-185902945-T-G.
Other names: short protein forms L606R.
Identifiers: ClinVar variation 2766540 (VCV002766540.3), dbSNP rs2527155394, ClinGen allele CA343868924.
Genomic context (GRCh38, chr1:185,933,813, plus strand): 5'-CTGGAGAGTATCATTGTATGGTTTCTAGTGAAGGTGGATCATCAGCCGCTTCAGTTTTCC[T>G]CACAGTGCAAGGTACAGTGCTTTGGTAACTTCTGAATTATGACATCTTTCTGTCCTCTAT-3'
Protein context (NP_114141.2, residues 596-616): EGGSSAASVF[Leu606Arg]TVQEPPKVTV

ClinVar aggregate classification (germline): Uncertain significance (1 of 4 stars; one submission).

Submission:

Labcorp Genetics (formerly Invitae), Labcorp
Classification: Uncertain significance. Last evaluated: 2023-10-06. Review status: criteria provided, single submitter. Criteria: Invitae Variant Classification Sherloc (09022015). Collection method: clinical testing. Allele origin: germline.
Comment: This sequence change replaces leucine, which is neutral and non-polar, with arginine, which is basic and polar, at codon 606 of the HMCN1 protein (p.Leu606Arg). This variant is not present in population databases (gnomAD no frequency). This variant has not been reported in the literature in individuals affected with HMCN1-related conditions. An algorithm developed to predict the effect of missense changes on protein structure and function (PolyPhen-2) suggests that this variant is likely to be disruptive. In summary, the available evidence is currently insufficient to determine the role of this variant in disease. Therefore, it has been classified as a Variant of Uncertain Significance.